The following is an entry in ClinVar:

ClinVar aggregate classification (germline): Benign (1 of 4 stars; one submission).

Allele frequency attached by ClinVar (database versions not stated): gnomAD 0.77760 and 0.77853; 1000 Genomes Project 0.78255; TOPMed 0.78327; 1000 Genomes Project 30x 0.78795.
gnomAD v4.1: 118,013 of 151,804 alleles (78%); highest among the groups gnomAD compares: East Asian, 83%; 45,954 homozygotes.

Submission:

GeneDx
Classification: Benign. Last evaluated: 2018-06-19. Review status: criteria provided, single submitter. Criteria: GeneDx Variant Classification (06012015). Collection method: clinical testing. Allele origin: germline. Affected: yes.
Comment: This variant is considered likely benign or benign based on one or more of the following criteria: it is a conservative change, it occurs at a poorly conserved position in the protein, it is predicted to be benign by multiple in silico algorithms, and/or has population frequency not consistent with disease.

NM_182943.3(PLOD2):c.778-323T>G

Gene: PLOD2 (procollagen-lysine,2-oxoglutarate 5-dioxygenase 2; minus strand). Cytogenetic location: 3q24.
Variant type: single nucleotide variant.
Coding change: c.778-323T>G on transcript NM_182943.3 (MANE Select); 323 bases into the intron before coding-DNA position 778, T replaced by G.
Molecular consequence: intron variant.
Genome position (GRCh38, 1-based): chr3:146,092,224, A>C on the plus strand (T>G on the coding strand, the complement: PLOD2 is on the minus strand). VCF-style: chr3-146092224-A-C. GRCh37 (hg19) VCF-style: chr3-145810011-A-C.
Other names: c.778-323T>G (NM_000935.3).
Identifiers: ClinVar variation 684290 (VCV000684290.1), dbSNP rs3792340, ClinGen allele CA11484607.